The following is an entry in ClinVar:

ClinVar aggregate classification (germline): Conflicting classifications of pathogenicity. Review status: criteria provided, conflicting classifications (1 of 4 stars). 5 submissions from 5 submitters: Uncertain significance (4); Likely benign (1). Last evaluated 2026-02-20.

Conditions:
Inborn genetic diseases. Identifiers: MedGen C0950123, MeSH D030342.
Acute myeloid leukemia (AML). Also called: Leukemia, acute myeloid, somatic; Leukemia, acute myelogenous, somatic; Acute myeloid leukemia, adult; AML adult; Acute non-lymphocytic leukemia; Acute granulocytic leukemia. Identifiers: Orphanet 519, MedGen C0023467, MeSH D015470, MONDO:0018874, OMIM 601626, HP:0004808. Disease mechanism: Constitutively activated FLT3.

Allele frequency attached by ClinVar (database versions not stated): gnomAD exomes below 0.00001; gnomAD 0.00001; TOPMed 0.00001.
gnomAD v4.1: 5 of 1,291,848 alleles (0.00039%); highest among the groups gnomAD compares: African/African-American, 0.0016%; no homozygotes.

Submissions (5):

St. Jude Molecular Pathology, St. Jude Children's Research Hospital
Classification: Uncertain significance for Acute myeloid leukemia. Last evaluated: 2026-02-20. Review status: criteria provided, single submitter. Criteria: St. Jude Assertion Criteria 2020. Collection method: clinical testing. Allele origin: germline.
Comment: The CEBPA c.541T>C p.(Tyr181His) missense change is absent in gnomAD v2.1.1. The in silico tool REVEL predicts a benign effect on protein function, but to our knowledge this prediction has not been confirmed by functional studies. This variant has been reported in somatic tissue of an individual with myelodysplastic syndrome (PMID: 37586297). In summary, the evidence currently available is insufficient to determine the clinical significance of this variant. It has therefore been classified as of uncertain significance.

Labcorp Genetics (formerly Invitae), Labcorp
Classification: Uncertain significance for Acute myeloid leukemia. Last evaluated: 2025-08-18. Review status: criteria provided, single submitter. Criteria: Invitae Variant Classification Sherloc (09022015). Collection method: clinical testing. Allele origin: germline.
Comment: This sequence change replaces tyrosine, which is neutral and polar, with histidine, which is basic and polar, at codon 181 of the CEBPA protein (p.Tyr181His). This variant is not present in population databases (gnomAD no frequency). This variant has not been reported in the literature in individuals affected with CEBPA-related conditions. ClinVar contains an entry for this variant (Variation ID: 408754). Invitae Evidence Modeling of protein sequence and biophysical properties (such as structural, functional, and spatial information, amino acid conservation, physicochemical variation, residue mobility, and thermodynamic stability) indicates that this missense variant is not expected to disrupt CEBPA protein function with a negative predictive value of 80%. In summary, the available evidence is currently insufficient to determine the role of this variant in disease. Therefore, it has been classified as a Variant of Uncertain Significance.

Ambry Genetics
Classification: Likely benign for Inborn genetic diseases. Last evaluated: 2025-02-11. Review status: criteria provided, single submitter. Criteria: Ambry Variant Classification Scheme 2023. Collection method: clinical testing. Allele origin: germline.

Baylor Genetics
Classification: Uncertain significance for Acute myeloid leukemia. Last evaluated: 2023-11-21. Review status: criteria provided, single submitter. Criteria: ACMG Guidelines, 2015. Collection method: clinical testing. Allele origin: unknown.

GeneDx
Classification: Uncertain significance. Last evaluated: 2023-11-21. Review status: criteria provided, single submitter. Criteria: GeneDx Variant Classification Process June 2021. Collection method: clinical testing. Allele origin: germline. Affected: yes.
Comment: Not observed at significant frequency in large population cohorts (gnomAD); In silico analysis supports that this missense variant does not alter protein structure/function; Has not been previously published as pathogenic or benign to our knowledge; This variant is associated with the following publications: (PMID: 21455213)

NM_004364.5(CEBPA):c.541T>C (p.Tyr181His)

Gene: CEBPA (CCAAT enhancer binding protein alpha; minus strand). Cytogenetic location: 19q13.11.
Variant type: single nucleotide variant.
Coding change: c.541T>C on transcript NM_004364.5 (MANE Select); coding-DNA position 541, T replaced by C.
Protein change: p.Tyr181His; replaces tyrosine 181 with histidine.
Molecular consequence: missense variant.
Genome position (GRCh38, 1-based): chr19:33,301,874, A>G on the plus strand (T>C on the coding strand, the complement: CEBPA is on the minus strand). VCF-style: chr19-33301874-A-G. GRCh37 (hg19) VCF-style: chr19-33792780-A-G.
Other names: c.184T>C, p.Tyr62His (NM_001285829.2); c.646T>C, p.Tyr216His (NM_001287424.2); c.499T>C, p.Tyr167His (NM_001287435.2); c.541T>C (NM_004364.3); short protein forms Y181H, Y62H, Y167H, Y216H.
Identifiers: ClinVar variation 408754 (VCV000408754.13), dbSNP rs1060502124, ClinGen allele CA16616261.